The following is an entry in ClinVar:

ClinVar aggregate classification (germline): Uncertain significance (1 of 4 stars; one submission).

Submission:

GeneDx
Classification: Uncertain significance. Last evaluated: 2024-10-21. Review status: criteria provided, single submitter. Criteria: GeneDx Variant Classification Process June 2021. Collection method: clinical testing. Allele origin: germline. Affected: yes.
Comment: Not observed at significant frequency in large population cohorts (gnomAD); In silico analysis supports that this missense variant has a deleterious effect on protein structure/function; Has not been previously published as pathogenic or benign to our knowledge; This variant is associated with the following publications: (PMID: 27535533)

NM_005273.4(GNB2):c.547C>T (p.His183Tyr)

Gene: GNB2 (G protein subunit beta 2; plus strand). Cytogenetic location: 7q22.1.
Variant type: single nucleotide variant.
Coding change: c.547C>T on transcript NM_005273.4 (MANE Select); coding-DNA position 547, C replaced by T.
Protein change: p.His183Tyr; replaces histidine 183 with tyrosine.
Molecular consequence: missense variant.
Genome position (GRCh38, 1-based): chr7:100,678,147, C>T. VCF-style: chr7-100678147-C-T. GRCh37 (hg19) VCF-style: chr7-100275770-C-T.
Other names: short protein forms H183Y.
Identifiers: ClinVar variation 3781003 (VCV003781003.1).